The following is an entry in ClinVar:

ClinVar aggregate classification (germline): Uncertain significance (1 of 4 stars; one submission).

Conditions:
Developmental and epileptic encephalopathy, 1 (DEE1). Also called: Epileptic encephalopathy, early infantile, 1; INFANTILE SPASM SYNDROME, X-LINKED 1; X-linked infantile spasms; West's syndrome; Tonic spasms with clustering, arrest of psychomotor development and hypsarrhythmia on EEG; X-Linked Infantile Spasm Syndrome. Identifiers: MedGen C3463992, MONDO:0010632, OMIM 308350. Disease mechanism: loss of function.
Autosomal recessive spinocerebellar ataxia 12. Also called: SPINOCEREBELLAR ATAXIA WITH MENTAL RETARDATION AND EPILEPSY. Identifiers: Orphanet 284282, MedGen C3280452, MONDO:0013687, OMIM 614322.

Allele frequency attached by ClinVar (database versions not stated): TOPMed below 0.00001; gnomAD 0.00001; gnomAD exomes 0.00001; ExAC 0.00002; 1000 Genomes Project 0.00020; 1000 Genomes Project 30x 0.00031.
gnomAD v4.1: 12 of 1,614,214 alleles (0.00074%); highest among the groups gnomAD compares: Admixed American, 0.0067%; no homozygotes.

Submission:

Labcorp Genetics (formerly Invitae), Labcorp
Classification: Uncertain significance for Developmental and epileptic encephalopathy, 1; Autosomal recessive spinocerebellar ataxia 12. Last evaluated: 2024-10-15. Review status: criteria provided, single submitter. Criteria: Invitae Variant Classification Sherloc (09022015). Collection method: clinical testing. Allele origin: germline.
Comment: This sequence change replaces methionine, which is neutral and non-polar, with isoleucine, which is neutral and non-polar, at codon 290 of the WWOX protein (p.Met290Ile). This variant is present in population databases (rs199809390, gnomAD 0.003%). This variant has not been reported in the literature in individuals affected with WWOX-related conditions. ClinVar contains an entry for this variant (Variation ID: 1047488). Invitae Evidence Modeling of protein sequence and biophysical properties (such as structural, functional, and spatial information, amino acid conservation, physicochemical variation, residue mobility, and thermodynamic stability) indicates that this missense variant is not expected to disrupt WWOX protein function with a negative predictive value of 80%. In summary, the available evidence is currently insufficient to determine the role of this variant in disease. Therefore, it has been classified as a Variant of Uncertain Significance.

NM_016373.4(WWOX):c.870G>A (p.Met290Ile)

Gene: WWOX (WW domain containing oxidoreductase; plus strand). Cytogenetic location: 16q23.1.
Variant type: single nucleotide variant.
Coding change: c.870G>A on transcript NM_016373.4 (MANE Select); coding-DNA position 870, G replaced by A.
Protein change: p.Met290Ile; replaces methionine 290 with isoleucine.
Molecular consequence: missense variant.
Genome position (GRCh38, 1-based): chr16:78,432,566, G>A. VCF-style: chr16-78432566-G-A. GRCh37 (hg19) VCF-style: chr16-78466463-G-A.
Other names: c.531G>A, p.Met177Ile (NM_001291997.2); short protein forms M177I, M290I.
Identifiers: ClinVar variation 1047488 (VCV001047488.8), dbSNP rs199809390, ClinGen allele CA8183525.